The following is an entry in ClinVar:

NM_197968.4(ZMYM2):c.1912A>G (p.Lys638Glu)

Gene: ZMYM2 (zinc finger MYM-type containing 2; plus strand). Cytogenetic location: 13q12.11.
Variant type: single nucleotide variant.
Coding change: c.1912A>G on transcript NM_197968.4 (MANE Select); coding-DNA position 1912, A replaced by G.
Protein change: p.Lys638Glu; replaces lysine 638 with glutamic acid.
Molecular consequence: missense variant. On other transcripts: non-coding transcript variant (1).
Genome position (GRCh38, 1-based): chr13:20,031,379, A>G. VCF-style: chr13-20031379-A-G. GRCh37 (hg19) VCF-style: chr13-20605519-A-G.
Other names: c.1912A>G, p.Lys638Glu (NM_001190964.4, NM_001190965.4, NM_001353157.2 and 5 more transcripts); c.1717A>G, p.Lys573Glu (NM_001353161.3); c.1651A>G, p.Lys551Glu (NM_001353163.2); short protein forms K551E, K573E, K638E.
Identifiers: ClinVar variation 3902163 (VCV003902163.1).

ClinVar aggregate classification (germline): Uncertain significance (1 of 4 stars; one submission).

Submission:

Women's Health and Genetics/Laboratory Corporation of America, LabCorp
Classification: Uncertain significance. Last evaluated: 2025-05-16. Review status: criteria provided, single submitter. Criteria: LabCorp Variant Classification Summary - May 2015. Collection method: clinical testing. Allele origin: germline.
Comment: Variant summary: ZMYM2 c.1912A>G (p.Lys638Glu) results in a conservative amino acid change in the encoded protein sequence. Algorithms developed to predict the effect of missense changes on protein structure and function are either unavailable or do not agree on the potential impact of this missense change. The variant was absent in 242914 control chromosomes. The available data on variant occurrences in the general population are insufficient to allow any conclusion about variant significance. To our knowledge, no occurrence of c.1912A>G in individuals affected with Neurodevelopmental-Craniofacial Syndrome With Variable Renal And Cardiac Abnormalities and no experimental evidence demonstrating its impact on protein function have been reported. No submitters have cited clinical-significance assessments for this variant to ClinVar. Based on the evidence outlined above, the variant was classified as uncertain significance.